The following is an entry in ClinVar:

ClinVar aggregate classification (germline): Uncertain significance. Review status: criteria provided, multiple submitters, no conflicts (2 of 4 stars). 3 submissions from 3 submitters: Uncertain significance (3). Last evaluated 2022-03-19.

Conditions:
Joubert syndrome 17 (JBTS17). Identifiers: Orphanet 475, MedGen C3553264, MONDO:0013824, OMIM 614615.
Orofaciodigital syndrome type 6 (OFD6). Also called: POLYDACTYLY, CLEFT LIP/PALATE OR LINGUAL LUMP, AND PSYCHOMOTOR RETARDATION; VARADI SYNDROME; VARADI-PAPP SYNDROME; Oral-facial-digital syndrome type 6; Central polydactyly cleft lip/palate or lingual lump and psychomotor retardation; Y-shaped central metacarpal and cerebellar defect. Identifiers: Orphanet 2754, MedGen C2745997, MONDO:0010176, OMIM 277170.

Allele frequency attached by ClinVar (database versions not stated): gnomAD exomes below 0.00001 and 0.00001; TOPMed below 0.00001; gnomAD 0.00001.

Submissions (3):

Labcorp Genetics (formerly Invitae), Labcorp
Classification: Uncertain significance. Last evaluated: 2022-03-19. Review status: criteria provided, single submitter. Criteria: Invitae Variant Classification Sherloc (09022015). Collection method: clinical testing. Allele origin: germline.
Comment: This sequence change replaces aspartic acid, which is acidic and polar, with glutamic acid, which is acidic and polar, at codon 888 of the CPLANE1 protein (p.Asp888Glu). This variant is present in population databases (no rsID available, gnomAD 0.004%). ClinVar contains an entry for this variant (Variation ID: 907935). Advanced modeling of protein sequence and biophysical properties (such as structural, functional, and spatial information, amino acid conservation, physicochemical variation, residue mobility, and thermodynamic stability) performed at Invitae indicates that this missense variant is not expected to disrupt CPLANE1 protein function. In summary, the available evidence is currently insufficient to determine the role of this variant in disease. Therefore, it has been classified as a Variant of Uncertain Significance. This variant has not been reported in the literature in individuals affected with CPLANE1-related conditions.

Fulgent Genetics
Classification: Uncertain significance for Orofaciodigital syndrome type 6; Joubert syndrome 17. Last evaluated: 2021-12-30. Review status: criteria provided, single submitter. Criteria: ACMG Guidelines, 2015. Collection method: clinical testing. Allele origin: unknown.

Illumina Laboratory Services, Illumina
Classification: Uncertain significance for Joubert syndrome 17. Last evaluated: 2018-01-13. Review status: criteria provided, single submitter. Criteria: ICSL Variant Classification Criteria 13 December 2019. Collection method: clinical testing. Allele origin: germline.

NM_001384732.1(CPLANE1):c.2664T>A (p.Asp888Glu)

Gene: CPLANE1 (ciliogenesis and planar polarity effector complex subunit 1; minus strand). Cytogenetic location: 5p13.2.
Variant type: single nucleotide variant.
Coding change: c.2664T>A on transcript NM_001384732.1 (MANE Select); coding-DNA position 2664, T replaced by A.
Protein change: p.Asp888Glu; replaces aspartic acid 888 with glutamic acid.
Molecular consequence: missense variant.
Genome position (GRCh38, 1-based): chr5:37,221,406, A>T on the plus strand (T>A on the coding strand, the complement: CPLANE1 is on the minus strand). VCF-style: chr5-37221406-A-T. GRCh37 (hg19) VCF-style: chr5-37221508-A-T.
Other names: c.2664T>A, p.Asp888Glu (NM_023073.4); short protein forms D888E.
Identifiers: ClinVar variation 907935 (VCV000907935.9), dbSNP rs1287231108, ClinGen allele CA359488611.